The following is an entry in ClinVar:

NM_000233.4(LHCGR):c.1331T>G (p.Phe444Cys)

Genes: LHCGR (luteinizing hormone/choriogonadotropin receptor; minus strand), STON1-GTF2A1L (STON1-GTF2A1L readthrough; plus strand). Cytogenetic location: 2p16.3.
Variant type: single nucleotide variant.
Coding change: c.1331T>G on transcript NM_000233.4 (MANE Select); coding-DNA position 1331, T replaced by G.
Protein change: p.Phe444Cys; replaces phenylalanine 444 with cysteine.
Molecular consequence: missense variant. On other transcripts: intron variant (1).
Genome position (GRCh38, 1-based): chr2:48,688,466, A>C on the plus strand (T>G on the coding strand, the complement: LHCGR is on the minus strand). VCF-style: chr2-48688466-A-C. GRCh37 (hg19) VCF-style: chr2-48915605-A-C.
Other names: p.Phe444Cys; c.3441+16786A>C (NM_001198593.2); short protein forms F444C.
Identifiers: ClinVar variation 4077413 (VCV004077413.1).

ClinVar aggregate classification (germline): Likely pathogenic (1 of 4 stars; one submission).

Conditions:
Leydig cell agenesis. Also called: HYPERGONADOTROPIC HYPOGONADISM, MALE, DUE TO LHCGR DEFECT; Leydig cell hypoplasia, type 1; LEYDIG CELL HYPOPLASIA WITH MALE PSEUDOHERMAPHRODITISM; LEYDIG CELL HYPOPLASIA, COMPLETE. Identifiers: MedGen C0266432, MONDO:0009384, OMIM 238320.

Submission:

Center of Excellence of Human Genetics, National Research Center
Classification: Likely pathogenic for Leydig cell agenesis. Review status: criteria provided, single submitter. Criteria: ACMG Guidelines, 2015. Collection method: clinical testing. Allele origin: germline. Affected: yes.
Comment: The p.Phe444Cys variant is not detected in the gnomAD population database. Computational tools confirm that the variant is deleterious (REVEL: deleterious (0.95), MetaLR: deleterious (0.91)). The Phe444Cys variant meets the criteria (PP3-PM2-PP2) for being classified as likely pathogenic.

Literature cited by the submitters: PubMed 38526829.